The following is an entry in ClinVar:

ClinVar aggregate classification (germline): Pathogenic. Review status: reviewed by expert panel (3 of 4 stars). 44 submissions from 44 submitters: Pathogenic (1). 43 of the submissions do not count toward it. Last evaluated 2024-11-26.

Conditions:
Inherited breast cancer and ovarian cancer.
ATM-related cancer predisposition. Also called: ATM-related cancer susceptibility. Identifiers: MedGen CN377759, MONDO:0700270.
ATM-related disorder. Also called: ATM-related disorders; ATM-related condition.
ATM-related cancer predisposition syndrome.
Breast and/or ovarian cancer. Identifiers: MedGen CN221562.
Familial pancreatic carcinoma. Identifiers: Orphanet 1333, MedGen C2931038, MONDO:0015278, OMIM 260350.
Familial cancer of breast. Also called: Hereditary breast cancer; hereditary breast carcinoma; BREAST CANCER, FAMILIAL. Identifiers: Orphanet 227535, MedGen C0346153, MONDO:0016419, OMIM 114480. Disease mechanism: loss of function.
Ataxia-telangiectasia syndrome (AT). Also called: LOUIS-BAR SYNDROME; Ataxia-telangiectasia; Ataxia telangiectasia (A-T); Cerebello-oculocutaneous telangiectasia; Immunodeficiency with ataxia telangiectasia; Ataxia-telangiectasia, complementation group D. Identifiers: Orphanet 100, MedGen C0004135, MONDO:0008840, OMIM 208900.
Hereditary cancer-predisposing syndrome. Also called: Tumor predisposition; Hereditary neoplastic syndrome; Neoplastic Syndromes, Hereditary; Hereditary Cancer Syndrome. Identifiers: Orphanet 140162, MedGen C0027672, MeSH D009386, MONDO:0015356.
Breast-ovarian cancer, familial, susceptibility to, 1 (BROVCA1). Also called: BRCA1 Hereditary Breast and Ovarian Cancer; OVARIAN CANCER, SUSCEPTIBILITY TO. Identifiers: Orphanet 145, MedGen C2676676, MONDO:0011450, OMIM 604370. Disease mechanism: loss of function.
Breast carcinoma. Also called: Carcinoma of breast. Identifiers: MedGen C0678222, MONDO:0004989, HP:0003002.

Submissions 1 to 8 of 44:

ClinGen Hereditary Breast, Ovarian and Pancreatic Cancer Variant Curation Expert Panel, ClinGen
Classification: Pathogenic for ATM-related cancer predisposition. Last evaluated: 2024-11-26. Review status: reviewed by expert panel. Criteria: ClinGen HBOP ACMG Specifications ATM V1.3.0. Collection method: curation. Allele origin: germline. Inheritance: Autosomal dominant inheritance.
Comment: The c.3802del (p.Val1268*) variant in ATM is a nonsense variant in a biologically-relevant-exon predicted to cause a premature stop codon leading to nonsense mediated decay in a gene in which loss-of-function is an established disease mechanism. This alteration results in a termination codon upstream of the most C-terminus pathogenic alteration (ATM p.Arg3047*), as classified by the HBOP VCEP, and is expected to be more deleterious. This variant was observed in several individuals with Ataxia-Telangiectasia (PMID: 9463314, 12815592, 26896183). The highest population minor allele frequency in gnomAD v2.1.1 is 0.00008473 in the Admixed American population (PM2_Supporting, BS1, and BA1 are not met). In summary, this variant meets criteria to be classified as pathogenic for autosomal dominant ATM-related cancer predisposition and autosomal recessive Ataxia-Telangiectasia based on the ACMG/AMP criteria applied as specified by the HBOP Variant Curation Expert Panel. (PVS1, PM5_Supporting, PM3_Very Strong)

CeGaT Center for Human Genetics Tuebingen
Classification: Pathogenic. Last evaluated: 2026-06-01. Review status: criteria provided, single submitter. Criteria: CeGaT Center For Human Genetics Tuebingen Variant Classification Criteria Version 2. Collection method: clinical testing. Allele origin: germline. Affected: yes. Observed: 7 variant alleles. Not counted in ClinVar's aggregate classification.
Comment: ATM: PVS1, PS4:Moderate, PM2:Supporting

PreventionGenetics, part of Exact Sciences
Classification: Pathogenic for ATM-related condition. Last evaluated: 2026-05-11. Review status: criteria provided, single submitter. Criteria: ACMG Guidelines, 2015. Collection method: clinical testing. Allele origin: germline. Not counted in ClinVar's aggregate classification.
Comment: The ATM c.3802delG variant is predicted to result in premature protein termination (p.Val1268*). This variant is also referred to as 3801delG in the literature. It has been reported in the homozygous or compound heterozygous state in individuals with ataxia telangiectasia (see, for example: McConville et al. 1996. PubMed ID: 8755918; Sandoval et al. 1999. PubMed ID: 9887333; Podralska et al. 2014. PubMed ID: 25614872). This variant has also been reported in the heterozygous state in individuals with breast or pancreatic cancer (Dörk et al. 2001. PubMed ID: 11606401; Roberts et al. 2012. PubMed ID: 22585167). This variant is reported in 0.0085% of alleles in individuals of Latino descent in gnomAD and is interpreted as pathogenic in ClinVar (Variation ID: 127374). Nonsense variants in ATM are expected to be pathogenic. This variant is interpreted as pathogenic.

Labcorp Genetics (formerly Invitae), Labcorp
Classification: Pathogenic for Ataxia-telangiectasia syndrome. Last evaluated: 2026-01-27. Review status: criteria provided, single submitter. Criteria: Invitae Variant Classification Sherloc (09022015). Collection method: clinical testing. Allele origin: germline. Not counted in ClinVar's aggregate classification.
Comment: This sequence change creates a premature translational stop signal (p.Val1268*) in the ATM gene. It is expected to result in an absent or disrupted protein product. Loss-of-function variants in ATM are known to be pathogenic (PMID: 23807571, 25614872). This variant is present in population databases (rs765158119, gnomAD 0.009%). This premature translational stop signal has been observed in individual(s) with ataxia-telangiectasia (A-T), and breast cancer (PMID: 8755918, 9887333, 10330348, 10864201, 11606401, 12815592, 16832357, 18384426, 21787400, 23585524, 25077176, 25614872). It is commonly reported in individuals of British Isles ancestry (PMID: 8755918, 9463314, 9887333, 10330348, 10864201, 11606401, 12815592, 16832357, 18384426, 21787400, 22585167, 23585524, 25077176, 25614872). This variant is also known as c.3801delG. ClinVar contains an entry for this variant (Variation ID: 127374). For these reasons, this variant has been classified as Pathogenic.

Color Diagnostics, LLC DBA Color Health
Classification: Pathogenic for Hereditary cancer-predisposing syndrome. Last evaluated: 2025-12-08. Review status: criteria provided, single submitter. Criteria: ACMG Guidelines, 2015. Collection method: clinical testing. Allele origin: germline. Not counted in ClinVar's aggregate classification.
Comment: This variant deletes 1 nucleotide in exon 26 of the ATM gene, creating a frameshift and premature translation stop signal. This variant is expected to result in an absent or non-functional protein product. This variant has been reported in the homozygous or compound heterozygous state with an additional pathogenic ATM variant in individuals affected with ataxia-telangiectasia (PMID: 8755918, 9887333, 10864201, 21965147, 25077176, 25614872, 27664052, 34337741). This variant has also been reported in individuals affected with breast cancer (PMID: 16832357, 18384426, 21445571, 21787400), pancreatic cancer (PMID: 22585167), prostate cancer (PMID: 27433846, 33436325), and gastroesophageal junction adenocarcinoma (PMID: 35078243). This variant has been identified in 11/282542 chromosomes in the general population by the Genome Aggregation Database (gnomAD). Loss of ATM function is a known mechanism of disease. Based on the available evidence, this variant is classified as Pathogenic.

Genetic Services Laboratory, University of Chicago
Classification: Pathogenic. Last evaluated: 2025-12-08. Review status: criteria provided, single submitter. Criteria: ACMG Guidelines, 2015. Collection method: clinical testing. Allele origin: germline. Not counted in ClinVar's aggregate classification.
Comment: The c.3802del variant: Results in the creation of a premature stop codon at amino acid position 1268, p.Val1268*. Is predicted to result in an abnormal transcript, which may be degraded, or may lead to the production of a truncated ATM protein with potentially abnormal function. Has been previously described in the homozygous and compound heterozygous states in individuals with ataxia telangiectasia (PMID: 8755918, 21965147) and in the heterozygous state in individuals with breast, colon, pancreatic and prostate cancer (PMID: 29478780, 28779002, 21787400, 27433846, 22585167, 29961768). Is reported in the gnomAD v4 database with a frequency of 0.01% in the non-Finnish European subpopulation (dbSNP rs1481440491). ClinVar contains an entry for this variant (Variation ID: 127374). Collectively this evidence indicates that this variant is pathogenic.

Genetics Laboratory, Great Ormond Street Hospital NHS Foundation Trust, North Thames Genomic Laboratory Hub
Classification: Pathogenic for Inherited breast cancer and ovarian cancer. Last evaluated: 2025-10-24. Review status: criteria provided, single submitter. Criteria: CanVIG ATM Gene Specific V1.2. Collection method: clinical testing. Allele origin: germline. Affected: yes. Not counted in ClinVar's aggregate classification.
Comment: PVS1_very-strong, PM5_supporting, PM3_strong

Natera, Inc.
Classification: Pathogenic for Ataxia-telangiectasia. Last evaluated: 2025-09-04. Review status: criteria provided, single submitter. Criteria: Natera Variant Classification Schema (03/2026). Collection method: clinical testing. Allele origin: germline. Not counted in ClinVar's aggregate classification.
Comment: The c.3802delG variant in ATM is a frameshift variant predicted to shift the reading frame and introduce a stop codon. This variant is expected to result in nonsense mediated decay, truncation, or a dysfunctional protein product. This variant is rare in the general population with a frequency below the threshold expected for the associated phenotype(s). This variant has been observed in one or more individuals affected with the associated recessive disease, as either homozygous or compound heterozygous with a second variant (PMID: 27664052). Given the available evidence, this variant is classified as Pathogenic.

NM_000051.4(ATM):c.3802del (p.Glu1267_Val1268insTer)

Gene: ATM (ATM serine/threonine kinase; plus strand). Cytogenetic location: 11q22.3.
Variant type: Deletion.
Coding change: c.3802del on transcript NM_000051.4 (MANE Select); coding-DNA position 3802, one base deleted (G; older notation c.3802delG).
Protein change: p.Glu1267_Val1268insTer.
Molecular consequence: nonsense.
Genome position (GRCh38, 1-based): chr11:108,284,282, G deleted; the last of 2 consecutive G bases (chr11:108,284,281-108,284,282); deleting either gives the same sequence. VCF-style (leftmost placement, unchanged base first): chr11-108284280-AG-A. GRCh37 (hg19) VCF-style: chr11-108155007-AG-A.
Other names: NM_000051.4(ATM):c.3802del; p.Glu1267_Val1268insTer; c.3802delG (NM_000051.3, NM_000051.4); c.3802del, p.Glu1267_Val1268insTer (NM_001351834.2).
Identifiers: ClinVar variation 127374 (VCV000127374.101), dbSNP rs587779834, ClinGen allele CA286815.
Genomic context (GRCh38, chr11:108,284,280, plus strand): 5'-TTTTTAGATCTTGTTATAAGGTTTTGATTCCACATCTGGTGATTAGAAGTCATTTTGATG[AG>A]GTGAAGTCCATTGCTAATCAGATTCAAGAGGACTGGAAAAGTCTTCTAACAGACTGCTTT-3'